The following is an entry in ClinVar:

NM_001199138.2(NLRC4):c.2378T>C (p.Met793Thr)

Gene: NLRC4 (NLR family CARD domain containing 4; minus strand). Cytogenetic location: 2p22.3.
Variant type: single nucleotide variant.
Coding change: c.2378T>C on transcript NM_001199138.2 (MANE Select); coding-DNA position 2378, T replaced by C.
Protein change: p.Met793Thr; replaces methionine 793 with threonine.
Molecular consequence: missense variant.
Genome position (GRCh38, 1-based): chr2:32,238,275, A>G on the plus strand (T>C on the coding strand, the complement: NLRC4 is on the minus strand). VCF-style: chr2-32238275-A-G. GRCh37 (hg19) VCF-style: chr2-32463344-A-G.
Other names: c.2378T>C, p.Met793Thr (NM_001199139.2, NM_021209.5); c.383T>C, p.Met128Thr (NM_001302504.2); short protein forms M128T, M793T.
Identifiers: ClinVar variation 1444275 (VCV001444275.6), dbSNP rs1558449800, ClinGen allele CA346509623.
Genomic context (GRCh38, chr2:32,238,275, plus strand): 5'-TTGACTATGTAATCCATTCCCTCTCCAATGTCAGACAAGTGGGTCAAATGAAATAAACAC[A>G]TCTTCTTCAGGTTTTTCAGGCCTTCAGCTGAAAAATGATAGAAAGGAATGCATTAGGATA-3'
Protein context (NP_001186067.1, residues 783-803): LAEGLKNLKK[Met793Thr]CLFHLTHLSD

ClinVar aggregate classification (germline): Uncertain significance (1 of 4 stars; one submission).

Conditions:
Familial cold autoinflammatory syndrome 4 (FCAS4). Identifiers: Orphanet 47045, Orphanet 576349, MedGen C4015276, MONDO:0014498, OMIM 616115.
Periodic fever-infantile enterocolitis-autoinflammatory syndrome. Also called: Autoinflammation with infantile enterocolitis. Identifiers: Orphanet 436166, MedGen C4015067, MONDO:0014472, OMIM 616050.

Allele frequency attached by ClinVar (database versions not stated): gnomAD exomes below 0.00001.
gnomAD v4.1: 1 of 1,611,472 alleles (0.000062%); highest among the groups gnomAD compares: Non-Finnish European, 0.000085%; no homozygotes.

Submission:

Labcorp Genetics (formerly Invitae), Labcorp
Classification: Uncertain significance for Periodic fever-infantile enterocolitis-autoinflammatory syndrome; Familial cold autoinflammatory syndrome 4. Last evaluated: 2021-11-14. Review status: criteria provided, single submitter. Criteria: Invitae Variant Classification Sherloc (09022015). Collection method: clinical testing. Allele origin: germline.
Comment: In summary, the available evidence is currently insufficient to determine the role of this variant in disease. Therefore, it has been classified as a Variant of Uncertain Significance. Algorithms developed to predict the effect of missense changes on protein structure and function are either unavailable or do not agree on the potential impact of this missense change (SIFT: "Deleterious"; PolyPhen-2: "Benign"; Align-GVGD: "Class C0"). This variant has not been reported in the literature in individuals affected with NLRC4-related conditions. This variant is present in population databases (no rsID available, gnomAD 0.0009%). This sequence change replaces methionine, which is neutral and non-polar, with threonine, which is neutral and polar, at codon 793 of the NLRC4 protein (p.Met793Thr).